The following is an entry in ClinVar:

ClinVar aggregate classification (germline): Conflicting classifications of pathogenicity. Review status: criteria provided, conflicting classifications (1 of 4 stars). 14 submissions from 14 submitters: Uncertain significance (4); Benign (1); Likely benign (4). 5 of the submissions do not count toward it. Last evaluated 2026-08-01.

Conditions:
ADGRV1-related disorder. Also called: ADGRV1-related condition; ADGRV1-related disorders.
Usher syndrome type 2C. Also called: USHER SYNDROME, TYPE IIC; Usher syndrome, type 2B. Identifiers: Orphanet 231178, Orphanet 886, MedGen C2931213, MONDO:0011558, OMIM 605472.

Allele frequency attached by ClinVar (database versions not stated): 1000 Genomes Project 0.00060; 1000 Genomes Project 30x 0.00078; ESP Exome Variant Server 0.00106; gnomAD exomes 0.00128 and 0.00148; gnomAD 0.00131 and 0.00133; TOPMed 0.00139; ExAC 0.00232.
gnomAD v4.1: 2,062 of 1,578,446 alleles (0.13%); highest among the groups gnomAD compares: Middle Eastern, 0.4%; 5 homozygotes.

Submissions (14):

CeGaT Center for Human Genetics Tuebingen
Classification: Likely benign. Last evaluated: 2026-08-01. Review status: criteria provided, single submitter. Criteria: CeGaT Center For Human Genetics Tuebingen Variant Classification Criteria Version 2. Collection method: clinical testing. Allele origin: germline. Affected: yes. Observed: 13 variant alleles.
Comment: ADGRV1: BS2

Labcorp Genetics (formerly Invitae), Labcorp
Classification: Likely benign. Last evaluated: 2026-01-28. Review status: criteria provided, single submitter. Criteria: Invitae Variant Classification Sherloc (09022015). Collection method: clinical testing. Allele origin: germline.

Blueprint Genetics
Classification: Likely benign. Last evaluated: 2024-11-25. Review status: criteria provided, single submitter. Criteria: ACMG Guidelines, 2015. Collection method: clinical testing. Allele origin: germline.

ARUP Laboratories, Molecular Genetics and Genomics, ARUP Laboratories
Classification: Uncertain significance. Last evaluated: 2023-08-23. Review status: criteria provided, single submitter. Criteria: ARUP Molecular Germline Variant Investigation Process 2024. Collection method: clinical testing. Allele origin: germline.

GeneDx
Classification: Benign. Last evaluated: 2019-04-08. Review status: criteria provided, single submitter. Criteria: GeneDx Variant Classification Process June 2021. Collection method: clinical testing. Allele origin: germline. Affected: yes.
Comment: This variant is associated with the following publications: (PMID: 25262649, 25404053, 27460420, 22952768, 30245029, 31047384, 32707200)

Athena Diagnostics
Classification: Uncertain significance. Last evaluated: 2018-04-26. Review status: criteria provided, single submitter. Criteria: Athena Diagnostics Criteria. Collection method: clinical testing. Allele origin: germline.

Illumina Laboratory Services, Illumina
Classification: Uncertain significance for Usher syndrome type 2C. Last evaluated: 2017-04-27. Review status: criteria provided, single submitter. Criteria: ICSL Variant Classification Criteria 13 December 2019. Collection method: clinical testing. Allele origin: germline.

Eurofins Ntd Llc (ga)
Classification: Uncertain significance. Last evaluated: 2016-09-12. Review status: criteria provided, single submitter. Criteria: EGL Classification Definitions 2015. Collection method: clinical testing. Allele origin: germline. Observed: 3 variant alleles, 3 heterozygotes.

Laboratory for Molecular Medicine, Mass General Brigham Personalized Medicine
Classification: Likely benign. Last evaluated: 2013-03-14. Review status: criteria provided, single submitter. Criteria: LMM Criteria. Collection method: clinical testing. Allele origin: germline. Observed: 8 variant alleles.
Comment: p.Asp3992Asn in exon 58 of GPR98: This variant is not expected to have clinical significance because it has been identified in 0.4% (59/15416) of European chrom osomes and in 0.4% (4/944) of Latino chromosomes by the Exome Aggregation Consor tium (dbSNP rs201386977).

PreventionGenetics, part of Exact Sciences
Classification: Likely benign for ADGRV1-related condition. Last evaluated: 2019-06-05. Review status: no assertion criteria provided. Collection method: clinical testing. Allele origin: germline. Not counted in ClinVar's aggregate classification.
Comment: This variant is classified as likely benign based on ACMG/AMP sequence variant interpretation guidelines (Richards et al. 2015 PMID: 25741868, with internal and published modifications).

Clinical Genetics DNA and cytogenetics Diagnostics Lab, Erasmus MC, Erasmus Medical Center
Classification: Uncertain significance. Review status: no assertion criteria provided. Collection method: clinical testing. Allele origin: germline. Affected: yes. Study: VKGL Data-share Consensus. Not counted in ClinVar's aggregate classification.

Clinical Genetics, Academic Medical Center
Classification: Uncertain significance. Review status: no assertion criteria provided. Collection method: clinical testing. Allele origin: germline. Affected: yes. Study: VKGL Data-share Consensus. Not counted in ClinVar's aggregate classification.

Department of Pathology and Laboratory Medicine, Sinai Health System
Classification: Uncertain significance. Review status: no assertion criteria provided. Collection method: clinical testing. Allele origin: unknown. Affected: yes. Study: The Canadian Open Genetics Repository (COGR). Not counted in ClinVar's aggregate classification.
Comment: The ADGRV1 p.Asp3992Asn variant was identified in 2 of 896 proband chromosomes (frequency: 0.002) from individuals or families with Usher syndrome (Eandi_2017_PMID:29142287; Bonnet_2016_PMID:27460420). The variant was also identified in dbSNP (ID: rs201386977), ClinVar (classified as a VUS by GeneDx, EGL Genetics, Athena Diagnostics, ARUP and Praxis fuer Humangenetik Tuebingen and as likely benign by Laboratory for Molecular Medicine) and LOVD 3.0. The variant was not identified in Cosmic. The variant was identified in control databases in 320 of 228350 chromosomes at a frequency of 0.001401 increasing the likelihood this could be a low frequency benign variant (Genome Aggregation Database Feb 27, 2017). The variant was observed in the following populations: Ashkenazi Jewish in 54 of 9380 chromosomes (freq: 0.005757), Latino in 60 of 28672 chromosomes (freq: 0.002093), Other in 11 of 6242 chromosomes (freq: 0.001762), European (non-Finnish) in 168 of 99320 chromosomes (freq: 0.001692), South Asian in 19 of 25506 chromosomes (freq: 0.000745), European (Finnish) in 5 of 22700 chromosomes (freq: 0.00022) and African in 3 of 20596 chromosomes (freq: 0.000146), while the variant was not observed in the East Asian population. The p.Asp3992 residue is conserved in mammals and computational analyses (PolyPhen-2, SIFT, AlignGVGD, BLOSUM, MutationTaster) provide inconsistent predictions regarding the impact to the protein; this information is not very predictive of pathogenicity. The variant occurs outside of the splicing consensus sequence and in silico or computational prediction software programs (SpliceSiteFinder, MaxEntScan, NNSPLICE, GeneSplicer) do not predict a difference in splicing. In summary, based on the above information the clinical significance of this variant cannot be determined with certainty at this time. This variant is classified as a variant of uncertain significance.

Joint Genome Diagnostic Labs from Nijmegen and Maastricht, Radboudumc and MUMC+
Classification: Uncertain significance. Review status: no assertion criteria provided. Collection method: clinical testing. Allele origin: germline. Affected: yes. Study: VKGL Data-share Consensus. Not counted in ClinVar's aggregate classification.

Literature cited by the submitters: PubMed 27460420 (cited by Athena Diagnostics); PubMed 22952768 (cited by Athena Diagnostics); PubMed 25404053 (cited by Athena Diagnostics); PubMed 25262649 (cited by Athena Diagnostics); PubMed 29142287 (cited by Athena Diagnostics).

NM_032119.4(ADGRV1):c.11974G>A (p.Asp3992Asn)

Gene: ADGRV1 (adhesion G protein-coupled receptor V1; plus strand). Cytogenetic location: 5q14.3.
Variant type: single nucleotide variant.
Coding change: c.11974G>A on transcript NM_032119.4 (MANE Select); coding-DNA position 11974, G replaced by A.
Protein change: p.Asp3992Asn; replaces aspartic acid 3992 with asparagine.
Molecular consequence: missense variant. On other transcripts: non-coding transcript variant (1).
Genome position (GRCh38, 1-based): chr5:90,759,442, G>A. VCF-style: chr5-90759442-G-A. GRCh37 (hg19) VCF-style: chr5-90055259-G-A.
Other names: short protein forms D3992N.
Identifiers: ClinVar variation 178365 (VCV000178365.73), dbSNP rs201386977, ClinGen allele CA182189.